The following is an entry in ClinVar:

ClinVar aggregate classification (germline): Uncertain significance (1 of 4 stars; one submission).

gnomAD v4.1: 2 of 1,552,452 alleles (0.00013%); highest among the groups gnomAD compares: Non-Finnish European, 0.00017%; no homozygotes.

Submission:

CeGaT Center for Human Genetics Tuebingen
Classification: Uncertain significance. Last evaluated: 2022-05-01. Review status: criteria provided, single submitter. Criteria: CeGaT Center For Human Genetics Tuebingen Variant Classification Criteria Version 2. Collection method: clinical testing. Allele origin: germline. Affected: yes. Observed: 1 variant allele.
Comment: TENM4: PM2, BP4

NM_001098816.3(TENM4):c.2218G>T (p.Val740Leu)

Gene: TENM4 (teneurin transmembrane protein 4; minus strand). Cytogenetic location: 11q14.1.
Variant type: single nucleotide variant.
Coding change: c.2218G>T on transcript NM_001098816.3 (MANE Select); coding-DNA position 2218, G replaced by T.
Protein change: p.Val740Leu; replaces valine 740 with leucine.
Molecular consequence: missense variant.
Genome position (GRCh38, 1-based): chr11:78,787,045, C>A on the plus strand (G>T on the coding strand, the complement: TENM4 is on the minus strand). VCF-style: chr11-78787045-C-A. GRCh37 (hg19) VCF-style: chr11-78498090-C-A.
Other names: short protein forms V740L.
Identifiers: ClinVar variation 2642226 (VCV002642226.24), dbSNP rs370272010, ClinGen allele CA382182560.